The following is an entry in ClinVar:

NM_001276270.2(MBD4):c.670A>G (p.Asn224Asp)

Gene: MBD4 (methyl-CpG binding domain 4, DNA glycosylase; minus strand). Cytogenetic location: 3q21.3.
Variant type: single nucleotide variant.
Coding change: c.670A>G on transcript NM_001276270.2 (MANE Select); coding-DNA position 670, A replaced by G.
Protein change: p.Asn224Asp; replaces asparagine 224 with aspartic acid.
Molecular consequence: missense variant. On other transcripts: intron variant (1).
Genome position (GRCh38, 1-based): chr3:129,436,974, T>C on the plus strand (A>G on the coding strand, the complement: MBD4 is on the minus strand). VCF-style: chr3-129436974-T-C. GRCh37 (hg19) VCF-style: chr3-129155817-T-C.
Other names: c.670A>G, p.Asn224Asp (NM_001276271.2, NM_001276272.2, NM_003925.3); c.247+834A>G (NM_001276273.2); short protein forms N224D.
Identifiers: ClinVar variation 3687347 (VCV003687347.3).

ClinVar aggregate classification (germline): Conflicting classifications of pathogenicity. Review status: criteria provided, conflicting classifications (1 of 4 stars). 2 submissions from 2 submitters: Uncertain significance (1); Likely benign (1). Last evaluated 2025-12-29.

Conditions:
Inborn genetic diseases. Identifiers: MedGen C0950123, MeSH D030342.

gnomAD v4.1: 1 of 1,614,206 alleles (0.000062%); highest among the groups gnomAD compares: Non-Finnish European, 0.000085%; no homozygotes.

Submissions (2):

Ambry Genetics
Classification: Likely benign for Inborn genetic diseases. Last evaluated: 2025-12-29. Review status: criteria provided, single submitter. Criteria: Ambry Variant Classification Scheme 2023. Collection method: clinical testing. Allele origin: germline.

Labcorp Genetics (formerly Invitae), Labcorp
Classification: Uncertain significance. Last evaluated: 2024-05-28. Review status: criteria provided, single submitter. Criteria: Invitae Variant Classification Sherloc (09022015). Collection method: clinical testing. Allele origin: germline.
Comment: This sequence change replaces asparagine, which is neutral and polar, with aspartic acid, which is acidic and polar, at codon 224 of the MBD4 protein (p.Asn224Asp). This variant is not present in population databases (gnomAD no frequency). This variant has not been reported in the literature in individuals affected with MBD4-related conditions. Algorithms developed to predict the effect of missense changes on protein structure and function output the following: SIFT: "Not Available"; PolyPhen-2: "Benign"; Align-GVGD: "Not Available". The aspartic acid amino acid residue is found in multiple mammalian species, which suggests that this missense change does not adversely affect protein function. In summary, the available evidence is currently insufficient to determine the role of this variant in disease. Therefore, it has been classified as a Variant of Uncertain Significance.